The following is an entry in ClinVar:

NM_005751.5(AKAP9):c.7357G>C (p.Val2453Leu)

Gene: AKAP9 (A-kinase anchoring protein 9; plus strand). Cytogenetic location: 7q21.2.
Variant type: single nucleotide variant.
Coding change: c.7357G>C on transcript NM_005751.5 (MANE Select); coding-DNA position 7357, G replaced by C.
Protein change: p.Val2453Leu; replaces valine 2453 with leucine.
Molecular consequence: missense variant.
Genome position (GRCh38, 1-based): chr7:92,079,490, G>C. VCF-style: chr7-92079490-G-C. GRCh37 (hg19) VCF-style: chr7-91708804-G-C.
Other names: c.2002G>C, p.Val668Leu (NM_001379277.1); c.7333G>C, p.Val2445Leu (NM_147185.3); short protein forms V2445L, V668L, V2453L.
Identifiers: ClinVar variation 2720087 (VCV002720087.3), dbSNP rs1158032444, ClinGen allele CA368135557.

ClinVar aggregate classification (germline): Uncertain significance (1 of 4 stars; one submission).

Conditions:
Long QT syndrome (LQTS). Identifiers: MedGen C0023976, MeSH D008133, MONDO:0002442. Disease mechanism: loss of function. Inheritance: Various modes of inheritance.

Submission:

Labcorp Genetics (formerly Invitae), Labcorp
Classification: Uncertain significance for Long QT syndrome. Last evaluated: 2023-05-25. Review status: criteria provided, single submitter. Criteria: Invitae Variant Classification Sherloc (09022015). Collection method: clinical testing. Allele origin: germline.
Comment: This sequence change replaces valine, which is neutral and non-polar, with leucine, which is neutral and non-polar, at codon 2453 of the AKAP9 protein (p.Val2453Leu). This variant is not present in population databases (gnomAD no frequency). This variant has not been reported in the literature in individuals affected with AKAP9-related conditions. Algorithms developed to predict the effect of missense changes on protein structure and function output the following: SIFT: "Not Available"; PolyPhen-2: "Benign"; Align-GVGD: "Not Available". The leucine amino acid residue is found in multiple mammalian species, which suggests that this missense change does not adversely affect protein function. In summary, the available evidence is currently insufficient to determine the role of this variant in disease. Therefore, it has been classified as a Variant of Uncertain Significance.